The following is an entry in ClinVar:

NM_001127644.2(GABRA1):c.1155C>A (p.Gly385=)

Gene: GABRA1 (gamma-aminobutyric acid type A receptor subunit alpha1; plus strand). Cytogenetic location: 5q34.
Variant type: single nucleotide variant.
Coding change: c.1155C>A on transcript NM_001127644.2 (MANE Select); coding-DNA position 1155, C replaced by A.
Protein change: p.Gly385=; no amino-acid change (glycine 385 retained).
Molecular consequence: synonymous variant.
Genome position (GRCh38, 1-based): chr5:161,897,206, C>A. VCF-style: chr5-161897206-C-A. GRCh37 (hg19) VCF-style: chr5-161324212-C-A.
Other names: p.G385G:GGC>GGA; c.1155C>A, p.Gly385= (NM_000806.5, NM_001127643.2, NM_001127645.2 and 1 more transcripts).
Identifiers: ClinVar variation 137414 (VCV000137414.68), dbSNP rs41308303, ClinGen allele CA232487.

ClinVar aggregate classification (germline): Conflicting classifications of pathogenicity. Review status: criteria provided, conflicting classifications (1 of 4 stars). 10 submissions from 10 submitters: Uncertain significance (2); Benign (2); Likely benign (3). 3 of the submissions do not count toward it. Last evaluated 2026-02-03.

Conditions:
GABRA1-related disorder. Also called: GABRA1-related condition.
Idiopathic generalized epilepsy. Also called: Generalised epilepsy; EIG. Identifiers: MedGen C0270850, MONDO:0005579, OMIM 600669.
Epilepsy, idiopathic generalized, susceptibility to, 13. Also called: EPILEPSY, JUVENILE MYOCLONIC, SUSCEPTIBILITY TO, 5. Identifiers: Orphanet 307, Orphanet 64280, MedGen C4013473, MONDO:0012627, OMIM 611136.
Epilepsy, childhood absence 4 (ECA4). Also called: EPILEPSY, CHILDHOOD ABSENCE, SUSCEPTIBILITY TO, 4. Identifiers: Orphanet 307, MedGen C1970160.
Inborn genetic diseases. Identifiers: MedGen C0950123, MeSH D030342.

Allele frequency attached by ClinVar (database versions not stated): 1000 Genomes Project 0.00020; 1000 Genomes Project 30x 0.00047; ExAC 0.00056; gnomAD exomes 0.00059 and 0.00122; ESP Exome Variant Server 0.00062; gnomAD 0.00065 and 0.00066; TOPMed 0.00069.
gnomAD v4.1: 1,851 of 1,614,124 alleles (0.11%); highest among the groups gnomAD compares: Non-Finnish European, 0.15%; 2 homozygotes.

Submissions (10):

Labcorp Genetics (formerly Invitae), Labcorp
Classification: Benign for Epilepsy, childhood absence 4; Epilepsy, idiopathic generalized, susceptibility to, 13; Idiopathic generalized epilepsy. Last evaluated: 2026-02-03. Review status: criteria provided, single submitter. Criteria: Invitae Variant Classification Sherloc (09022015). Collection method: clinical testing. Allele origin: germline.

CeGaT Center for Human Genetics Tuebingen
Classification: Likely benign. Last evaluated: 2025-09-01. Review status: criteria provided, single submitter. Criteria: CeGaT Center For Human Genetics Tuebingen Variant Classification Criteria Version 2. Collection method: clinical testing. Allele origin: germline. Affected: yes. Observed: 6 variant alleles.
Comment: GABRA1: BP4, BP7, BS1

Blueprint Genetics
Classification: Likely benign. Last evaluated: 2024-11-18. Review status: criteria provided, single submitter. Criteria: ACMG Guidelines, 2015. Collection method: clinical testing. Allele origin: germline.

Illumina Laboratory Services, Illumina
Classification: Uncertain significance for Epilepsy, idiopathic generalized, susceptibility to, 13. Last evaluated: 2018-01-13. Review status: criteria provided, single submitter. Criteria: ICSL Variant Classification Criteria 13 December 2019. Collection method: clinical testing. Allele origin: germline.

Ambry Genetics
Classification: Likely benign for Inborn genetic diseases. Last evaluated: 2016-06-16. Review status: criteria provided, single submitter. Criteria: Ambry Variant Classification Scheme 2023. Collection method: clinical testing. Allele origin: germline.

Eurofins Ntd Llc (ga)
Classification: Uncertain significance. Last evaluated: 2015-08-26. Review status: criteria provided, single submitter. Criteria: EGL Classification Definitions 2015. Collection method: clinical testing. Allele origin: germline. Observed: 2 variant alleles, 2 heterozygotes.

GeneDx
Classification: Benign. Last evaluated: 2013-08-21. Review status: criteria provided, single submitter. Criteria: GeneDx Variant Classification (06012015). Collection method: clinical testing. Allele origin: germline. Affected: yes.
Comment: This variant is considered likely benign or benign based on one or more of the following criteria: it is a conservative change, it occurs at a poorly conserved position in the protein, it is predicted to be benign by multiple in silico algorithms, and/or has population frequency not consistent with disease.

PreventionGenetics, part of Exact Sciences
Classification: Likely benign for GABRA1-related condition. Last evaluated: 2022-12-16. Review status: no assertion criteria provided. Collection method: clinical testing. Allele origin: germline. Not counted in ClinVar's aggregate classification.
Comment: This variant is classified as likely benign based on ACMG/AMP sequence variant interpretation guidelines (Richards et al. 2015 PMID: 25741868, with internal and published modifications).

Clinical Genetics DNA and cytogenetics Diagnostics Lab, Erasmus MC, Erasmus Medical Center
Classification: Likely benign. Review status: no assertion criteria provided. Collection method: clinical testing. Allele origin: germline. Affected: yes. Study: VKGL Data-share Consensus. Not counted in ClinVar's aggregate classification.

Diagnostic Laboratory, Department of Genetics, University Medical Center Groningen
Classification: Likely benign. Review status: no assertion criteria provided. Collection method: clinical testing. Allele origin: germline. Affected: yes. Study: VKGL Data-share Consensus. Not counted in ClinVar's aggregate classification.